The following is an entry in ClinVar:

ClinVar aggregate classification (germline): Uncertain significance. Review status: criteria provided, multiple submitters, no conflicts (2 of 4 stars). 2 submissions from 2 submitters: Uncertain significance (2). Last evaluated 2025-09-11.

gnomAD v4.1: 14 of 1,613,648 alleles (0.00087%); highest among the groups gnomAD compares: Admixed American, 0.023%; no homozygotes.

Submissions (2):

Ambry Genetics
Classification: Uncertain significance. Last evaluated: 2025-09-11. Review status: criteria provided, single submitter. Criteria: Ambry Variant Classification Scheme 2023. Collection method: clinical testing. Allele origin: germline.

Labcorp Genetics (formerly Invitae), Labcorp
Classification: Uncertain significance. Last evaluated: 2025-05-08. Review status: criteria provided, single submitter. Criteria: Invitae Variant Classification Sherloc (09022015). Collection method: clinical testing. Allele origin: germline.
Comment: This sequence change replaces glutamine, which is neutral and polar, with histidine, which is basic and polar, at codon 528 of the MYLK3 protein (p.Gln528His). This variant is present in population databases (rs781224041, gnomAD 0.04%), and has an allele count higher than expected for a pathogenic variant. This variant has not been reported in the literature in individuals affected with MYLK3-related conditions. ClinVar contains an entry for this variant (Variation ID: 1397478). An algorithm developed to predict the effect of missense changes on protein structure and function (PolyPhen-2) suggests that this variant is likely to be disruptive. In summary, the available evidence is currently insufficient to determine the role of this variant in disease. Therefore, it has been classified as a Variant of Uncertain Significance.

NM_182493.3(MYLK3):c.1584G>C (p.Gln528His)

Gene: MYLK3 (myosin light chain kinase 3; minus strand). Cytogenetic location: 16q11.2.
Variant type: single nucleotide variant.
Coding change: c.1584G>C on transcript NM_182493.3 (MANE Select); coding-DNA position 1584, G replaced by C.
Protein change: p.Gln528His; replaces glutamine 528 with histidine.
Molecular consequence: missense variant.
Genome position (GRCh38, 1-based): chr16:46,729,672, C>G on the plus strand (G>C on the coding strand, the complement: MYLK3 is on the minus strand). VCF-style: chr16-46729672-C-G. GRCh37 (hg19) VCF-style: chr16-46763584-C-G.
Other names: c.561G>C, p.Gln187His (NM_001308301.1); c.1584G>C (NM_182493.2); short protein forms Q528H, Q187H.
Identifiers: ClinVar variation 1397478 (VCV001397478.9), dbSNP rs781224041, ClinGen allele CA8037912.